The following is an entry in ClinVar:

ClinVar aggregate classification (germline): Uncertain significance (1 of 4 stars; one submission).

Allele frequency attached by ClinVar (database versions not stated): gnomAD exomes below 0.00001 and 0.00001; TOPMed below 0.00001; gnomAD 0.00001.

Submission:

ARUP Laboratories, Molecular Genetics and Genomics, ARUP Laboratories
Classification: Uncertain significance. Last evaluated: 2020-12-08. Review status: criteria provided, single submitter. Criteria: ARUP Molecular Germline Variant Investigation Process 2021. Collection method: clinical testing. Allele origin: germline.
Comment: The FLT4 c.2002A>G; p.Lys668Glu variant (rs1397184267), to our knowledge, is not reported in the medical literature or gene specific databases. This variant is found in the general population with an allele frequency of 0.0007% (2/279442 alleles, including 0 homozygotes) in the Genome Aggregation Database. The lysine at codon 668 is highly conserved, but computational analyses are uncertain whether this variant is neutral or deleterious (REVEL: 0.51). Due to limited information, the clinical significance of the p.Lys668Glu variant is uncertain at this time. Gene Statement: Pathogenic variants in FLT4 are associated with autosomal dominant lymphatic malformation 1 (MIM: 153100).

NM_182925.5(FLT4):c.2002A>G (p.Lys668Glu)

Gene: FLT4 (fms related receptor tyrosine kinase 4; minus strand). Cytogenetic location: 5q35.3.
Variant type: single nucleotide variant.
Coding change: c.2002A>G on transcript NM_182925.5 (MANE Select); coding-DNA position 2002, A replaced by G.
Protein change: p.Lys668Glu; replaces lysine 668 with glutamic acid.
Molecular consequence: missense variant.
Genome position (GRCh38, 1-based): chr5:180,621,560, T>C on the plus strand (A>G on the coding strand, the complement: FLT4 is on the minus strand). VCF-style: chr5-180621560-T-C. GRCh37 (hg19) VCF-style: chr5-180048560-T-C.
Other names: c.2002A>G, p.Lys668Glu (NM_001354989.2, NM_002020.5); short protein forms K668E.
Identifiers: ClinVar variation 1331051 (VCV001331051.7), dbSNP rs1397184267, ClinGen allele CA362503111.
Genomic context (GRCh38, chr5:180,621,560, plus strand): 5'-TAGAAGAGAGCGCGTCCCCGCCCTCCCCGCGGCCAGCCTCACCCTGCACCGACAGGTACT[T>C]CTTGTGGCAGTGCTTGTCATGGCTGCGCCGGTCTTGCACTTCGCACACATAGTGGCCCTC-3'
Protein context (NP_891555.2, residues 658-678): RRSHDKHCHK[Lys668Glu]YLSVQALEAP